The following is an entry in ClinVar:

ClinVar aggregate classification (germline): Likely pathogenic (1 of 4 stars; one submission).

Conditions:
Ataxia-telangiectasia-like disorder 1 (ATLD1). Identifiers: Orphanet 251347, MedGen C4012790, MONDO:0024557, OMIM 604391.

Submission:

Clinical Genomics Laboratory, Washington University in St. Louis
Classification: Likely pathogenic for Ataxia-telangiectasia-like disorder 1. Last evaluated: 2025-12-05. Review status: criteria provided, single submitter. Criteria: ACMG Guidelines, 2015. Collection method: clinical testing. Allele origin: germline. Affected: yes.
Comment: The MRE11 c.1563G>A (p.Glu521=) variant, to our knowledge, has not been reported in the medical literature but has been reported in the ClinVar database as a germline variant of uncertain significance by two submitters. This variant is only observed on 15/1,613,150 alleles in the general population (gnomAD v4.1.0), indicating it is not a common variant. This variant occurs in the last nucleotide of the exon, a position that is highly conserved and computational predictors indicate that this variant would alter splicing, evidence that correlates to an impact of this variant on MRE11 function. If this variant were to effect splicing, a skipping of this exon would be predicted, resulting in an in-frame deletion of 21 amino acids (p.Val501-p.Glu521) downstream of the DNA binding and RAD50 interaction domains (Williams GJ et al., PMID: 21035407). Due to limited information, and based on ACMG/AMP guidelines for variant interpretation (Richards S et al., PMID: 25741868), the clinical significance of this variant is uncertain at this time.The MRE11 c.476_477del (p.Val159Glyfs*6) variant, to our knowledge, has not been reported in the medical literature and is absent from the general population (gnomAD v4.1.0), indicating it is not a common variant. This variant causes a frameshift by deleting two nucleotides, leading to a premature termination codon, which is predicted to lead to nonsense mediated decay. Additionally, other truncating MRE11 variants have been described in this region and are considered pathogenic (Rahman S et al., PMID: 32668560). Based on available information and the ACMG/AMP guidelines for variant interpretation (Richards S et al., PMID: 25741868), this variant is classified as likely pathogenic.

NM_005591.4(MRE11):c.476_477del (p.Val159fs)

Gene: MRE11 (MRE11 double strand break repair nuclease; minus strand). Cytogenetic location: 11q21.
Variant type: Microsatellite.
Coding change: c.476_477del on transcript NM_005591.4 (MANE Select); coding-DNA positions 476 to 477, 2 bases deleted (TG; older notation c.476_477delTG).
Protein change: p.Val159fs; shifts the reading frame from valine 159.
Molecular consequence: frameshift variant. On other transcripts: intron variant (3).
Genome position (GRCh38, 1-based): chr11:94,478,802-94,478,803, CA deleted on the plus strand (TG on the coding strand, the reverse complement: MRE11 is on the minus strand); deleting any 2 consecutive bases within chr11:94,478,802-94,478,805 gives the same sequence; the c. name uses the placement nearest the transcript's 3' end. VCF-style (leftmost placement, unchanged base first): chr11-94478801-CCA-C. GRCh37 (hg19) VCF-style: chr11-94211967-CCA-C.
Other names: c.476_477del, p.Val159fs (NM_001330347.2, NM_001440460.1, NM_001440461.1 and 18 more transcripts); c.401_402del, p.Val134fs (NM_001440471.1, NM_001440472.1, NM_001440479.1); c.8_9del, p.Val3fs (NM_001440485.1, NM_001440486.1, NM_001440487.1); c.315-7044_315-7043del (NM_001440483.1, NM_001440484.1, NM_001440482.1); short protein forms V134fs, V159fs, V3fs.
Identifiers: ClinVar variation 4879544 (VCV004879544.1).